The following is an entry in ClinVar:

NM_205836.3(FBXO38):c.2407T>C (p.Cys803Arg)

Gene: FBXO38 (F-box protein 38; plus strand). Cytogenetic location: 5q32.
Variant type: single nucleotide variant.
Coding change: c.2407T>C on transcript NM_205836.3 (MANE Select); coding-DNA position 2407, T replaced by C.
Protein change: p.Cys803Arg; replaces cysteine 803 with arginine.
Molecular consequence: missense variant. On other transcripts: intron variant (1).
Genome position (GRCh38, 1-based): chr5:148,427,701, T>C. VCF-style: chr5-148427701-T-C. GRCh37 (hg19) VCF-style: chr5-147807264-T-C.
Other names: c.2407T>C, p.Cys803Arg (NM_030793.5); c.1918+2000T>C (NM_001271723.2); short protein forms C803R.
Identifiers: ClinVar variation 1420903 (VCV001420903.6), dbSNP rs1161148986, ClinGen allele CA361657718.

ClinVar aggregate classification (germline): Uncertain significance (1 of 4 stars; one submission).

Conditions:
Distal hereditary motor neuropathy type 2. Identifiers: Orphanet 139525, MedGen C3711384, MeSH C580044, MONDO:0015352.

Allele frequency attached by ClinVar (database versions not stated): gnomAD exomes below 0.00001.
gnomAD v4.1: 5 of 1,614,162 alleles (0.00031%); highest among the groups gnomAD compares: Non-Finnish European, 0.00042%; no homozygotes.

Submission:

Labcorp Genetics (formerly Invitae), Labcorp
Classification: Uncertain significance for Distal hereditary motor neuropathy type 2. Last evaluated: 2024-07-01. Review status: criteria provided, single submitter. Criteria: Invitae Variant Classification Sherloc (09022015). Collection method: clinical testing. Allele origin: germline.
Comment: This sequence change replaces cysteine, which is neutral and slightly polar, with arginine, which is basic and polar, at codon 803 of the FBXO38 protein (p.Cys803Arg). This variant is present in population databases (no rsID available, gnomAD 0.0009%). This variant has not been reported in the literature in individuals affected with FBXO38-related conditions. ClinVar contains an entry for this variant (Variation ID: 1420903). Advanced modeling of protein sequence and biophysical properties (such as structural, functional, and spatial information, amino acid conservation, physicochemical variation, residue mobility, and thermodynamic stability) performed at Invitae indicates that this missense variant is not expected to disrupt FBXO38 protein function with a negative predictive value of 80%. In summary, the available evidence is currently insufficient to determine the role of this variant in disease. Therefore, it has been classified as a Variant of Uncertain Significance.